The following is an entry in ClinVar:

ClinVar aggregate classification (germline): Uncertain significance (1 of 4 stars; one submission).

Conditions:
TMEM132E-related disorder. Also called: TMEM132E-related condition.

gnomAD v4.1: 25 of 1,614,184 alleles (0.0015%); highest among the groups gnomAD compares: East Asian, 0.049%; no homozygotes.

Submission:

PreventionGenetics, part of Exact Sciences
Classification: Uncertain significance for TMEM132E-related condition. Last evaluated: 2025-06-19. Review status: criteria provided, single submitter. Criteria: ACMG Guidelines, 2015. Collection method: clinical testing. Allele origin: germline.
Comment: The TMEM132E c.1828G>A variant is predicted to result in the amino acid substitution p.Asp610Asn. To our knowledge, this variant has not been reported in the literature. This variant is reported in 0.060% of alleles in individuals of East Asian descent in gnomAD. Although we suspect that this variant may be benign, at this time, the clinical significance of this variant is uncertain due to the absence of conclusive functional and genetic evidence.

NM_001304438.2(TMEM132E):c.1828G>A (p.Asp610Asn)

Gene: TMEM132E (transmembrane protein 132E; plus strand). Cytogenetic location: 17q12.
Variant type: single nucleotide variant.
Coding change: c.1828G>A on transcript NM_001304438.2 (MANE Select); coding-DNA position 1828, G replaced by A.
Protein change: p.Asp610Asn; replaces aspartic acid 610 with asparagine.
Molecular consequence: missense variant.
Genome position (GRCh38, 1-based): chr17:34,634,938, G>A. VCF-style: chr17-34634938-G-A. GRCh37 (hg19) VCF-style: chr17-32961957-G-A.
Other names: short protein forms D610N.
Identifiers: ClinVar variation 4980853 (VCV004980853.1).